The following is an entry in ClinVar:

ClinVar aggregate classification (germline): Pathogenic/Likely pathogenic. Review status: criteria provided, multiple submitters, no conflicts (2 of 4 stars). 10 submissions from 10 submitters: Pathogenic (9); Likely pathogenic (1). Last evaluated 2026-03-12.

Conditions:
Hereditary cancer-predisposing syndrome. Also called: Neoplastic Syndromes, Hereditary; Hereditary Cancer Syndrome; Tumor predisposition; Hereditary neoplastic syndrome. Identifiers: Orphanet 140162, MedGen C0027672, MeSH D009386, MONDO:0015356.
Birt-Hogg-Dube syndrome. Also called: Birt Hogg Dubé syndrome. Identifiers: Orphanet 122, MedGen C0346010, MONDO:0800444.
Birt-Hogg-Dube syndrome 1 (BHD1). Also called: FIBROFOLLICULOMAS WITH TRICHODISCOMAS AND ACROCHORDONS. Identifiers: Orphanet 122, MedGen CN375946, MONDO:0800445, OMIM 135150.

Allele frequency attached by ClinVar (database versions not stated): gnomAD exomes 0.00001.

Submissions (10):

Victorian Clinical Genetics Services, Murdoch Childrens Research Institute
Classification: Pathogenic for Birt-Hogg-Dube syndrome 1. Last evaluated: 2026-03-12. Review status: criteria provided, single submitter. Criteria: ACMG Guidelines, 2015. Collection method: clinical testing. Allele origin: germline.
Comment: This variant is classified as Pathogenic. Evidence in support of pathogenic classification: Variant is predicted to cause nonsense-mediated decay (NMD) and loss of protein (premature termination codon is located at least 54 nucleotides upstream of the final exon-exon junction); Variant is present in gnomAD <0.001 for a dominant condition (v4: 9 heterozygote(s), 0 homozygote(s)); This variant has strong previous evidence of pathogenicity in unrelated individuals. This variant has been classified as pathogenic by multiple clinical laboratories in ClinVar, and has been reported in at least one family with Birt-Hogg-Dube syndrome (PMID: 34604083). - Other NMD-predicted variants comparable to the one identified in this case have very strong previous evidence for pathogenicity (DECIPHER). Additional information: This variant is heterozygous; This gene is associated with autosomal dominant disease; Loss of function is a known mechanism of disease in this gene and is associated with Birt-Hogg-Dube syndrome (BHDS) (MIM#135150) and primary spontaneous pneumothorax (MIM#173600); Variants in this gene are known to have intra- and inter-familial variable expressivity (OMIM; PMIDs: 15852235, 30586397); Inheritance information for this variant is not currently available in this individual.

Ambry Genetics
Classification: Pathogenic for Hereditary cancer-predisposing syndrome. Last evaluated: 2025-11-18. Review status: criteria provided, single submitter. Criteria: Ambry Variant Classification Scheme 2023. Collection method: clinical testing. Allele origin: germline.
Comment: The c.1318_1334dup17 variant, located in coding exon 9 of the FLCN gene, results from a duplication of GAGGTCCACGCAGCCGC at nucleotide position 1318, causing a translational frameshift with a predicted alternate stop codon (p.L449Qfs*25). This variant is considered to be rare based on population cohorts in the Genome Aggregation Database (gnomAD). This alteration is expected to result in loss of function by premature protein truncation or nonsense-mediated mRNA decay. As such, this alteration is interpreted as a disease-causing mutation.

Labcorp Genetics (formerly Invitae), Labcorp
Classification: Pathogenic for Birt-Hogg-Dube syndrome. Last evaluated: 2025-07-31. Review status: criteria provided, single submitter. Criteria: Invitae Variant Classification Sherloc (09022015). Collection method: clinical testing. Allele origin: germline.
Comment: This sequence change creates a premature translational stop signal (p.Leu449Glnfs*25) in the FLCN gene. It is expected to result in an absent or disrupted protein product. Loss-of-function variants in FLCN are known to be pathogenic (PMID: 15852235). This variant is not present in population databases (gnomAD no frequency). This premature translational stop signal has been observed in individual(s) with renal cell carcinoma (PMID: 18794106, 19802896). This variant is also known as c.1833_1849dup17. ClinVar contains an entry for this variant (Variation ID: 253249). For these reasons, this variant has been classified as Pathogenic.

Mayo Clinic Laboratories, Mayo Clinic
Classification: Likely pathogenic. Last evaluated: 2025-01-14. Review status: criteria provided, single submitter. Criteria: ACMG Guidelines, 2015. Collection method: clinical testing. Allele origin: germline. Observed: 2 variant alleles.
Comment: PM2_moderate, PVS1

Department of Pathology and Laboratory Medicine, Sinai Health System
Classification: Pathogenic for Birt-Hogg-Dube syndrome 1. Last evaluated: 2024-04-24. Review status: criteria provided, single submitter. Criteria: ACMG Guidelines, 2015. Collection method: clinical testing. Allele origin: germline. Affected: yes.

ARUP Laboratories, Molecular Genetics and Genomics, ARUP Laboratories
Classification: Pathogenic. Last evaluated: 2023-11-11. Review status: criteria provided, single submitter. Criteria: ARUP Molecular Germline Variant Investigation Process 2024. Collection method: clinical testing. Allele origin: germline.
Comment: The FLCN c.1318_1334dup; p.Leu449GlnfsTer25 variant (rs879255677) is reported in the literature in at least one individual with a Birt-Hogg-Dube-associated phenotype (Savatt 2022). This variant is also reported in ClinVar (Variation ID: 253249). It is absent from the Genome Aggregation Database (v2.1.1), indicating it is not a common polymorphism. This variant causes a frameshift by inserting 17 nucleotides, so it is predicted to result in a truncated protein or mRNA subject to nonsense-mediated decay. Based on available information, this variant is considered to be pathogenic. References: Savatt JM et al. Frequency of truncating FLCN variants and Birt-Hogg-Dube-associated phenotypes in a health care system population. Genet Med. 2022 Sep;24(9):1857-1866. PMID: 35639097.

Quest Diagnostics Nichols Institute San Juan Capistrano
Classification: Pathogenic. Last evaluated: 2023-08-25. Review status: criteria provided, single submitter. Criteria: Quest Diagnostics criteria. Collection method: clinical testing. Allele origin: unknown.
Comment: The FLCN c.1318_1334dup (p.Leu449Glnfs*25) variant alters the translational reading frame of the FLCN mRNA and causes the premature termination of FLCN protein synthesis. This variant has been reported in the published literature in an individual with renal cell carcinoma (PMID: 18794106 (2008)). This variant has not been reported in large, multi-ethnic general populations (Genome Aggregation Database). Based on the available information, this variant is classified as pathogenic.

Myriad Genetics, Inc.
Classification: Pathogenic for Birt-Hogg-Dube syndrome 1. Last evaluated: 2023-07-07. Review status: criteria provided, single submitter. Criteria: Myriad Autosomal Dominant, Autosomal Recessive and X-Linked Classification Criteria (2023). Collection method: clinical testing. Allele origin: unknown.
Comment: This variant is considered pathogenic. This variant creates a frameshift predicted to result in premature protein truncation.

GeneDx
Classification: Pathogenic. Last evaluated: 2018-10-18. Review status: criteria provided, single submitter. Criteria: GeneDx Variant Classification (06012015). Collection method: clinical testing. Allele origin: germline. Affected: yes.
Comment: The c.1318_1334dup17 variant in the FLCN gene has not been reported previously as a pathogenicvariant, nor as a benign variant, to our knowledge. This variant causes a frameshift starting with codonLeucine 449, changes this amino acid to a Glutamine residue and creates a premature Stop codon atposition 25 of the new reading frame, denoted p.Leu449GlnfsX25. The c.1318_1334dup17 variant ispredicted to cause loss of normal protein function either through protein truncation or nonsensemediatedmRNA decay. Based on currently available evidence, we consider c.1318_1334dup17 to bepathogenic, and its presence consistent with a diagnosis of Birt-Hogg-Dube syndrome.

Genomic Diagnostic Laboratory, Division of Genomic Diagnostics, Children's Hospital of Philadelphia
Classification: Pathogenic for Birt-Hogg-Dube Syndrome. Last evaluated: 2016-07-18. Review status: criteria provided, single submitter. Criteria: DGD Variant Analysis Guidelines. Collection method: clinical testing. Allele origin: germline. Affected: yes. Observed: 9 variant alleles.
Comment: Clinical Testing

Literature cited by the submitters: PubMed 34604083 (cited by Victorian Clinical Genetics Services, Murdoch Childrens Research Institute); PubMed 30586397 (cited by Victorian Clinical Genetics Services, Murdoch Childrens Research Institute); PubMed 15852235 (cited by Victorian Clinical Genetics Services, Murdoch Childrens Research Institute and Labcorp Genetics (formerly Invitae), Labcorp); PubMed 18794106 (cited by 4 submitters); PubMed 19802896 (cited by 3 submitters); PubMed 35639097 (cited by Mayo Clinic Laboratories, Mayo Clinic); PubMed 21506000 (cited by Department of Pathology and Laboratory Medicine, Sinai Health System).

NM_144997.7(FLCN):c.1318_1334dup (p.Leu449fs)

Gene: FLCN (folliculin; minus strand). Cytogenetic location: 17p11.2.
Variant type: Duplication.
Coding change: c.1318_1334dup on transcript NM_144997.7 (MANE Select); coding-DNA positions 1318 to 1334, 17 bases duplicated (GAGGTCCACGCAGCCGC).
Protein change: p.Leu449fs; shifts the reading frame from leucine 449.
Molecular consequence: frameshift variant.
Genome position (GRCh38, 1-based): chr17:17,215,283-17,215,299, GCGGCTGCGTGGACCTC duplicated on the plus strand (GAGGTCCACGCAGCCGC on the coding strand, the reverse complement: FLCN is on the minus strand). VCF-style (leftmost placement, unchanged base first): chr17-17215282-T-TGCGGCTGCGTGGACCTC. GRCh37 (hg19) VCF-style: chr17-17118596-T-TGCGGCTGCGTGGACCTC.
Other names: p.Leu449Glnfs*25; c.1372_1388dup, p.Leu467fs (NM_001353229.2); c.1318_1334dup, p.Leu449fs (NM_001353230.2, NM_001353231.2); c.1318_1334dupGAGGTCCACGCAGCCGC (NM_144997.5); c.1318_1334dup (LRG_325t1, NM_144997.6); short protein forms L467fs, L449fs.
Identifiers: ClinVar variation 253249 (VCV000253249.22), dbSNP rs879255677, ClinGen allele CA10586254.